The following is an entry in ClinVar:

NM_001377295.2(GNAT2):c.107T>G (p.Leu36Arg)

Gene: GNAT2 (G protein subunit alpha transducin 2; minus strand). Cytogenetic location: 1p13.3.
Variant type: single nucleotide variant.
Coding change: c.107T>G on transcript NM_001377295.2 (MANE Select); coding-DNA position 107, T replaced by G.
Protein change: p.Leu36Arg; replaces leucine 36 with arginine.
Molecular consequence: missense variant.
Genome position (GRCh38, 1-based): chr1:109,612,764, A>C on the plus strand (T>G on the coding strand, the complement: GNAT2 is on the minus strand). VCF-style: chr1-109612764-A-C. GRCh37 (hg19) VCF-style: chr1-110155386-A-C.
Other names: c.107T>G, p.Leu36Arg (NM_001379232.1, NM_005272.5); short protein forms L36R.
Identifiers: ClinVar variation 623269 (VCV000623269.7), dbSNP rs1240543072, ClinGen allele CA341543182.
Genomic context (GRCh38, chr1:109,612,764, plus strand): 5'-AGTAGGAAGGACCCCTGCCTTCTCTGGCTCATCTTCCCATCTCACTCACCCAGCAGTAGC[A>C]GCTTGACAGTCTTGGCTTCCTTATCAGCATCCTCCTGCAGCTTCTTTTCTAGCTCCTTGG-3'
Protein context (NP_001364224.1, residues 26-46): DADKEAKTVK[Leu36Arg]LLLGAGESGK

ClinVar aggregate classification (germline): Uncertain significance. Review status: criteria provided, single submitter (1 of 4 stars). 2 submissions from 2 submitters: Uncertain significance (1). 1 of the submissions does not count toward it. Last evaluated 2024-11-05.

Conditions:
Achromatopsia 4 (ACHM4). Identifiers: Orphanet 49382, MedGen C1841721, MONDO:0013465, OMIM 613856.

Allele frequency attached by ClinVar (database versions not stated): gnomAD 0.00001; TOPMed 0.00001.
gnomAD v4.1: 2 of 1,588,504 alleles (0.00013%); highest among the groups gnomAD compares: Non-Finnish European, 0.00017%; no homozygotes.

Submissions (2):

Labcorp Genetics (formerly Invitae), Labcorp
Classification: Uncertain significance. Last evaluated: 2024-11-05. Review status: criteria provided, single submitter. Criteria: Invitae Variant Classification Sherloc (09022015). Collection method: clinical testing. Allele origin: germline.
Comment: This sequence change replaces leucine, which is neutral and non-polar, with arginine, which is basic and polar, at codon 36 of the GNAT2 protein (p.Leu36Arg). This variant is not present in population databases (gnomAD no frequency). This missense change has been observed in individual(s) with achromatopsia (PMID: 31058429). ClinVar contains an entry for this variant (Variation ID: 623269). Invitae Evidence Modeling of protein sequence and biophysical properties (such as structural, functional, and spatial information, amino acid conservation, physicochemical variation, residue mobility, and thermodynamic stability) indicates that this missense variant is expected to disrupt GNAT2 protein function with a positive predictive value of 80%. In summary, the available evidence is currently insufficient to determine the role of this variant in disease. Therefore, it has been classified as a Variant of Uncertain Significance.

Molecular Genetics Laboratory, Institute for Ophthalmic Research
Classification: Likely pathogenic for Achromatopsia 4. Last evaluated: 2018-06-12. Review status: no assertion criteria provided. Collection method: research. Allele origin: germline. Affected: yes. Not counted in ClinVar's aggregate classification.

Literature cited by the submitters: PubMed 31058429 (cited by Labcorp Genetics (formerly Invitae), Labcorp).